The following is an entry in ClinVar:

ClinVar aggregate classification (germline): Uncertain significance. Review status: criteria provided, multiple submitters, no conflicts (2 of 4 stars). 2 submissions from 2 submitters: Uncertain significance (2). Last evaluated 2025-02-24.

Conditions:
Early-infantile DEE. Also called: Early infantile epileptic encephalopathy with suppression bursts; Early infantile epileptic encephalopathy; Ohtahara syndrome. Identifiers: Orphanet 1934, MedGen C0393706, MONDO:0800491.

Allele frequency attached by ClinVar (database versions not stated): gnomAD exomes below 0.00001; TOPMed below 0.00001; ExAC 0.00001; gnomAD 0.00001.
gnomAD v4.1: 6 of 1,614,066 alleles (0.00037%); highest among the groups gnomAD compares: Middle Eastern, 0.016%; no homozygotes.

Submissions (3):

Labcorp Genetics (formerly Invitae), Labcorp
Classification: Uncertain significance for Early-infantile DEE. Last evaluated: 2025-02-24. Review status: criteria provided, single submitter. Criteria: Invitae Variant Classification Sherloc (09022015). Collection method: clinical testing. Allele origin: germline.
Comment: This sequence change falls in intron 2 of the ST3GAL3 gene. It does not directly change the encoded amino acid sequence of the ST3GAL3 protein. It affects a nucleotide within the consensus splice site. This variant is present in population databases (rs759128744, gnomAD 0.007%). This variant has not been reported in the literature in individuals affected with ST3GAL3-related conditions. ClinVar contains an entry for this variant (Variation ID: 436872). Variants that disrupt the consensus splice site are a relatively common cause of aberrant splicing (PMID: 17576681, 9536098). Algorithms developed to predict the effect of sequence changes on RNA splicing suggest that this variant may disrupt the consensus splice site. In summary, the available evidence is currently insufficient to determine the role of this variant in disease. Therefore, it has been classified as a Variant of Uncertain Significance.

Genetic Services Laboratory, University of Chicago
Classification: Uncertain significance. Last evaluated: 2015-08-17. Review status: criteria provided, single submitter. Criteria: ACMG Guidelines, 2015. Collection method: clinical testing. Allele origin: germline. Affected: no.

Dr. Peter K. Rogan Lab, Western University
No classification provided (evidence only). Condition: Clear cell carcinoma of kidney. Review status: no classification provided. Collection method: in vitro. Allele origin: not applicable. Functional consequence: skipped exon, retained intron. Not counted in ClinVar's aggregate classification.

Literature cited by the submitters: PubMed 17576681 (cited by Labcorp Genetics (formerly Invitae), Labcorp); PubMed 9536098 (cited by Labcorp Genetics (formerly Invitae), Labcorp).

NM_006279.5(ST3GAL3):c.118+5G>A

Gene: ST3GAL3 (ST3 beta-galactoside alpha-2,3-sialyltransferase 3; plus strand). Cytogenetic location: 1p34.1.
Variant type: single nucleotide variant.
Coding change: c.118+5G>A on transcript NM_006279.5 (MANE Select); 5 bases into the intron after coding-DNA position 118, G replaced by A.
Molecular consequence: intron variant. On other transcripts: synonymous variant (6).
Genome position (GRCh38, 1-based): chr1:43,736,385, G>A. VCF-style: chr1-43736385-G-A. GRCh37 (hg19) VCF-style: chr1-44202056-G-A.
Other names: c.123G>A, p.Lys41= (NM_001270463.3, NM_001270465.3, NM_001350619.2 and 3 more transcripts); c.118+5G>A (NM_174968.5, NM_001363573.2, NM_001350620.2 and 11 more transcripts); c.-336+5G>A (NM_001350621.2).
Identifiers: ClinVar variation 436872 (VCV000436872.12), dbSNP rs759128744, ClinGen allele CA814479.